The following is an entry in ClinVar:

ClinVar aggregate classification (germline): Pathogenic (1 of 4 stars; one submission).

Allele frequency attached by ClinVar (database versions not stated): gnomAD exomes below 0.00001; TOPMed below 0.00001.
gnomAD v4.1: 5 of 1,612,694 alleles (0.00031%); highest among the groups gnomAD compares: Non-Finnish European, 0.00042%; no homozygotes.

Submission:

Labcorp Genetics (formerly Invitae), Labcorp
Classification: Pathogenic. Last evaluated: 2025-03-06. Review status: criteria provided, single submitter. Criteria: Invitae Variant Classification Sherloc (09022015). Collection method: clinical testing. Allele origin: germline.
Comment: This sequence change creates a premature translational stop signal (p.Trp914*) in the ADAMTSL4 gene. It is expected to result in an absent or disrupted protein product. Loss-of-function variants in ADAMTSL4 are known to be pathogenic (PMID: 20564469, 28642162). This variant is not present in population databases (gnomAD no frequency). This variant has not been reported in the literature in individuals affected with ADAMTSL4-related conditions. ClinVar contains an entry for this variant (Variation ID: 3011298). For these reasons, this variant has been classified as Pathogenic.

Literature cited by the submitters: PubMed 20564469; PubMed 28642162.

NM_019032.6(ADAMTSL4):c.2742G>A (p.Trp914Ter)

Gene: ADAMTSL4 (ADAMTS like 4; plus strand). Cytogenetic location: 1q21.2.
Variant type: single nucleotide variant.
Coding change: c.2742G>A on transcript NM_019032.6 (MANE Select); coding-DNA position 2742, G replaced by A.
Protein change: p.Trp914Ter; replaces tryptophan 914 with a stop codon.
Molecular consequence: nonsense.
Genome position (GRCh38, 1-based): chr1:150,559,144, G>A. VCF-style: chr1-150559144-G-A. GRCh37 (hg19) VCF-style: chr1-150531620-G-A.
Other names: c.2625G>A, p.Trp875Ter (NM_001288607.2); c.2811G>A, p.Trp937Ter (NM_001288608.2); c.2742G>A, p.Trp914Ter (NM_001378596.1); short protein forms W914*, W875*, W937*.
Identifiers: ClinVar variation 3011298 (VCV003011298.3), dbSNP rs1672530701, ClinGen allele CA342316582.